The following is an entry in ClinVar:

ClinVar aggregate classification (germline): Uncertain significance. Review status: criteria provided, multiple submitters, no conflicts (2 of 4 stars). 5 submissions from 5 submitters: Uncertain significance (5). Last evaluated 2026-03-02.

Conditions:
Inborn genetic diseases. Identifiers: MedGen C0950123, MeSH D030342.
Hereditary spastic paraplegia 30. Identifiers: Orphanet 101010, MedGen C5235139, MONDO:0012476.
Neuropathy, hereditary sensory, type 2C. Also called: Hereditary sensory and autonomic neuropathy type IIC; KIF1A-Related HSAN2 (HSAN2C). Identifiers: Orphanet 970, MedGen C3280168, MONDO:0013634, OMIM 614213.
Intellectual disability, autosomal dominant 9 (NESCAVS). Also called: KIF1A-Related Neurodevelopmental Disorder; NESCAV SYNDROME. Identifiers: Orphanet 662367, MedGen C5393830, MONDO:0013656, OMIM 614255.

Allele frequency attached by ClinVar (database versions not stated): gnomAD 0.00001; gnomAD exomes 0.00003 and 0.00007; 1000 Genomes Project 30x 0.00016; ExAC 0.00039.
gnomAD v4.1: 52 of 1,545,912 alleles (0.0034%); highest among the groups gnomAD compares: South Asian, 0.052%; 1 homozygote.

Submissions (5):

Women's Health and Genetics/Laboratory Corporation of America, LabCorp
Classification: Uncertain significance. Last evaluated: 2026-03-02. Review status: criteria provided, single submitter. Criteria: LabCorp Variant Classification Summary - May 2015. Collection method: clinical testing. Allele origin: germline.
Comment: Variant summary: KIF1A c.4362+4G>C alters a nucleotide located close to a canonical splice site and therefore could affect mRNA splicing, leading to a significantly altered protein sequence. Consensus agreement among computation tools predict no significant impact on normal splicing. However, these predictions have yet to be confirmed by functional studies. The variant allele was found at a frequency of 7.5e-05 in 147070 control chromosomes. This frequency is not significantly higher than estimated for disease-causing variants in KIF1A, allowing no conclusion about variant significance. To our knowledge, no occurrence of c.4362+4G>C in individuals affected with KIF1A-related conditions and no experimental evidence demonstrating its impact on protein function have been reported. ClinVar contains an entry for this variant (Variation ID: 435623). Based on the evidence outlined above, the variant was classified as uncertain significance.

Labcorp Genetics (formerly Invitae), Labcorp
Classification: Uncertain significance for Hereditary spastic paraplegia 30; Neuropathy, hereditary sensory, type 2C; Intellectual disability, autosomal dominant 9. Last evaluated: 2025-10-01. Review status: criteria provided, single submitter. Criteria: Invitae Variant Classification Sherloc (09022015). Collection method: clinical testing. Allele origin: germline.
Comment: This sequence change falls in intron 40 of the KIF1A gene. It does not directly change the encoded amino acid sequence of the KIF1A protein. It affects a nucleotide within the consensus splice site. This variant is present in population databases (rs772449700, gnomAD 0.05%). This variant has not been reported in the literature in individuals affected with KIF1A-related conditions. ClinVar contains an entry for this variant (Variation ID: 435623). Variants that disrupt the consensus splice site are a relatively common cause of aberrant splicing (PMID: 17576681, 9536098). Algorithms developed to predict the effect of sequence changes on RNA splicing suggest that this variant is not likely to affect RNA splicing. In summary, the available evidence is currently insufficient to determine the role of this variant in disease. Therefore, it has been classified as a Variant of Uncertain Significance.

Ambry Genetics
Classification: Uncertain significance for Inborn genetic diseases. Last evaluated: 2022-03-25. Review status: criteria provided, single submitter. Criteria: Ambry Variant Classification Scheme 2023. Collection method: clinical testing. Allele origin: germline.
Comment: The c.4362+4G>C intronic alteration consists of a G to C substitution nucleotides after coding exon 40 in the KIF1A gene. Based on insufficient or conflicting evidence, the clinical significance of this alteration remains unclear.

Genetic Services Laboratory, University of Chicago
Classification: Uncertain significance. Last evaluated: 2015-09-29. Review status: criteria provided, single submitter. Criteria: ACMG Guidelines, 2015. Collection method: clinical testing. Allele origin: germline. Affected: no.

Neuberg Centre For Genomic Medicine, NCGM
Classification: Uncertain significance for Intellectual disability, autosomal dominant 9. Review status: criteria provided, single submitter. Criteria: ACMG Guidelines, 2015. Collection method: clinical testing. Allele origin: germline. Inheritance: Autosomal dominant inheritance. Affected: yes.
Comment: The splice site c.4665+4G>C variant has not been reported previously as a pathogenic variant nor as a benign variant, to our knowledge. The variant has allele frequency 0.007% in gnomAD exomes and novel (not in any individuals) in 1000 Genomes. This variant has been reported to the ClinVar database as Uncertain Significance. The c.4362+4G>C variant results in a substitution of a base that is not predicted conserved by GERP++ and PhyloP. The c.4665+4G>C variant is not predicted to disrupt splicing by any splice site algorithm. For these reasons, this variant has been classified as Uncertain Significance (VUS).

Literature cited by the submitters: PubMed 17576681 (cited by Labcorp Genetics (formerly Invitae), Labcorp); PubMed 9536098 (cited by Labcorp Genetics (formerly Invitae), Labcorp).

NM_001244008.2(KIF1A):c.4665+4G>C

Gene: KIF1A (kinesin family member 1A; minus strand). Cytogenetic location: 2q37.3.
Variant type: single nucleotide variant.
Coding change: c.4665+4G>C on transcript NM_001244008.2 (MANE Select); 4 bases into the intron after coding-DNA position 4665, G replaced by C.
Molecular consequence: intron variant.
Genome position (GRCh38, 1-based): chr2:240,722,452, C>G on the plus strand (G>C on the coding strand, the complement: KIF1A is on the minus strand). VCF-style: chr2-240722452-C-G. GRCh37 (hg19) VCF-style: chr2-241661869-C-G.
Other names: c.4362+4G>C (NM_001379653.1, NM_001379650.1, NM_001379641.1 and 3 more transcripts); c.4638+4G>C (NM_001379645.1, NM_001379633.1); c.4488+4G>C (NM_001379635.1, NM_001379646.1); c.4359+4G>C (NM_001379640.1); c.4386+4G>C (NM_001379639.1); c.4389+4G>C (NM_001379649.1, NM_001320705.2); c.4476+4G>C (NM_001379636.1); c.4641+4G>C (NM_001379632.1); and 7 more.
Identifiers: ClinVar variation 435623 (VCV000435623.12), dbSNP rs772449700, ClinGen allele CA2207368.